The following is an entry in ClinVar:

NM_018196.4(TMLHE):c.749A>G (p.Glu250Gly)

Gene: TMLHE (trimethyllysine hydroxylase, epsilon; minus strand). Cytogenetic location: Xq28.
Variant type: single nucleotide variant.
Coding change: c.749A>G on transcript NM_018196.4 (MANE Select); coding-DNA position 749, A replaced by G.
Protein change: p.Glu250Gly; replaces glutamic acid 250 with glycine.
Molecular consequence: missense variant.
Genome position (GRCh38, 1-based): chrX:155,511,682, T>C on the plus strand (A>G on the coding strand, the complement: TMLHE is on the minus strand). VCF-style: chrX-155511682-T-C. GRCh37 (hg19) VCF-style: chrX-154741343-T-C.
Other names: c.749A>G, p.Glu250Gly (NM_001184797.2); short protein forms E250G.
Identifiers: ClinVar variation 5030957 (VCV005030957.1).

ClinVar aggregate classification (germline): Uncertain significance (1 of 4 stars; one submission).

Submission:

Ambry Genetics
Classification: Uncertain significance. Last evaluated: 2026-09-01. Review status: criteria provided, single submitter. Criteria: Ambry Variant Classification Scheme 2023. Collection method: clinical testing. Allele origin: germline.
Comment: The c.749A>G (p.E250G) alteration is located in exon 5 (coding exon 4) of the TMLHE gene. This alteration results from a A to G substitution at nucleotide position 749, causing the glutamic acid (E) at amino acid position 250 to be replaced by a glycine (G). Based on data from gnomAD, the G allele has an overall frequency of 0.002% (4/200723) total alleles studied. The highest observed frequency was 0.004% (4/91144) of European (non-Finnish) alleles. Based on insufficient or conflicting evidence, the clinical significance of this alteration remains unclear.